The following is an entry in ClinVar:

ClinVar aggregate classification (germline): Uncertain significance (1 of 4 stars; one submission).

Conditions:
Cardiovascular phenotype. Identifiers: MedGen CN230736.
Hereditary cancer-predisposing syndrome. Also called: Tumor predisposition; Hereditary neoplastic syndrome; Neoplastic Syndromes, Hereditary; Hereditary Cancer Syndrome. Identifiers: Orphanet 140162, MedGen C0027672, MeSH D009386, MONDO:0015356.

Submission:

Ambry Genetics
Classification: Uncertain significance for Cardiovascular phenotype; Hereditary cancer-predisposing syndrome. Last evaluated: 2025-05-23. Review status: criteria provided, single submitter. Criteria: Ambry Variant Classification Scheme 2023. Collection method: clinical testing. Allele origin: germline.
Comment: The c.2990+4A>G intronic variant results from an A to G substitution 4 nucleotides after coding exon 22 in the NF1 gene. This nucleotide position is well conserved in available vertebrate species. In silico splice site analysis for this alteration is inconclusive, and direct evidence is insufficient at this time (Ambry internal data). Based on the available evidence, the clinical significance of this variant remains unclear.

NM_001042492.3(NF1):c.2990+4A>G

Gene: NF1 (neurofibromin 1; plus strand). Cytogenetic location: 17q11.2.
Variant type: single nucleotide variant.
Coding change: c.2990+4A>G on transcript NM_001042492.3 (MANE Select); 4 bases into the intron after coding-DNA position 2990, A replaced by G.
Molecular consequence: intron variant.
Genome position (GRCh38, 1-based): chr17:31,229,978, A>G. VCF-style: chr17-31229978-A-G. GRCh37 (hg19) VCF-style: chr17-29556996-A-G.
Other names: c.2990+4A>G (NM_000267.4).
Identifiers: ClinVar variation 3998132 (VCV003998132.1).